The following is an entry in ClinVar:

ClinVar aggregate classification (germline): Benign. Review status: criteria provided, multiple submitters, no conflicts (2 of 4 stars). 3 submissions from 3 submitters: Benign (2). 1 of the submissions does not count toward it. Last evaluated 2019-12-31.

Conditions:
CELSR1-related disorder. Also called: CELSR1-related condition.

Allele frequency attached by ClinVar (database versions not stated): gnomAD exomes 0.00124 and 0.00294; ExAC 0.00365; gnomAD 0.00829 and 0.00873; TOPMed 0.00904; 1000 Genomes Project 0.00998; ESP Exome Variant Server 0.01026; 1000 Genomes Project 30x 0.01046.
gnomAD v4.1: 3,118 of 1,611,740 alleles (0.19%); highest among the groups gnomAD compares: African/African-American, 2.9%; 56 homozygotes.

Submissions (3):

Labcorp Genetics (formerly Invitae), Labcorp
Classification: Benign. Last evaluated: 2019-12-31. Review status: criteria provided, single submitter. Criteria: Invitae Variant Classification Sherloc (09022015). Collection method: clinical testing. Allele origin: germline.

Breakthrough Genomics
Classification: Benign. Review status: criteria provided, single submitter. Criteria: ACMG Guidelines, 2015. Collection method: not provided. Allele origin: germline. Inheritance: Autosomal dominant inheritance. Affected: yes.

PreventionGenetics, part of Exact Sciences
Classification: Benign for CELSR1-related condition. Last evaluated: 2020-01-02. Review status: no assertion criteria provided. Collection method: clinical testing. Allele origin: germline. Not counted in ClinVar's aggregate classification.
Comment: This variant is classified as benign based on ACMG/AMP sequence variant interpretation guidelines (Richards et al. 2015 PMID: 25741868, with internal and published modifications).

NM_001378328.1(CELSR1):c.8988C>G (p.Ala2996=)

Gene: CELSR1 (cadherin EGF LAG seven-pass G-type receptor 1; minus strand). Cytogenetic location: 22q13.31.
Variant type: single nucleotide variant.
Coding change: c.8988C>G on transcript NM_001378328.1 (MANE Select); coding-DNA position 8988, C replaced by G.
Protein change: p.Ala2996=; no amino-acid change (alanine 2996 retained).
Molecular consequence: synonymous variant.
Genome position (GRCh38, 1-based): chr22:46,364,043, G>C on the plus strand (C>G on the coding strand, the complement: CELSR1 is on the minus strand). VCF-style: chr22-46364043-G-C. GRCh37 (hg19) VCF-style: chr22-46759940-G-C.
Other names: c.8988C>G, p.Ala2996= (NM_014246.4).
Identifiers: ClinVar variation 720966 (VCV000720966.7), dbSNP rs77489567, ClinGen allele CA10292559.